The following is an entry in ClinVar:

ClinVar aggregate classification (germline): Uncertain significance. Review status: criteria provided, multiple submitters, no conflicts (2 of 4 stars). 2 submissions from 2 submitters: Uncertain significance (2). Last evaluated 2023-08-25.

Allele frequency attached by ClinVar (database versions not stated): gnomAD 0.00009; TOPMed 0.00011.
gnomAD v4.1: 84 of 1,612,538 alleles (0.0052%); highest among the groups gnomAD compares: South Asian, 0.036%; no homozygotes.

Submissions (2):

Women's Health and Genetics/Laboratory Corporation of America, LabCorp
Classification: Uncertain significance. Last evaluated: 2023-08-25. Review status: criteria provided, single submitter. Criteria: LabCorp Variant Classification Summary - May 2015. Collection method: clinical testing. Allele origin: germline.
Comment: Variant summary: EIF2B3 c.590C>T (p.Thr197Met) results in a non-conservative amino acid change in the encoded protein sequence. Four of five in-silico tools predict a damaging effect of the variant on protein function. The variant allele was found at a frequency of 5.2e-05 in 249956 control chromosomes (gnomAD). This frequency is not significantly higher than estimated for a pathogenic variant in EIF2B3 causing Leukoencephalopathy With Vanishing White Matter (5.2e-05 vs 0.00032), allowing no conclusion about variant significance. c.590C>T has been reported in the literature in at least one homozygous individual affected with Vanishing White Matter disease (Khorrami_2021). These data indicate that the variant may be associated with disease. To our knowledge, no experimental evidence demonstrating an impact on protein function has been reported. The following publication has been ascertained in the context of this evaluation (PMID: 33687620). One ClinVar submitter has assessed the variant since 2014, and classified the variant as uncertain significance. Based on the evidence outlined above, the variant was classified as VUS-possibly pathogenic.

Labcorp Genetics (formerly Invitae), Labcorp
Classification: Uncertain significance. Last evaluated: 2022-07-06. Review status: criteria provided, single submitter. Criteria: Invitae Variant Classification Sherloc (09022015). Collection method: clinical testing. Allele origin: germline.
Comment: This sequence change replaces threonine, which is neutral and polar, with methionine, which is neutral and non-polar, at codon 197 of the EIF2B3 protein (p.Thr197Met). This variant is present in population databases (rs749213552, gnomAD 0.03%). This missense change has been observed in individual(s) with clinical features of EIF2B3-related conditions (PMID: 33687620). ClinVar contains an entry for this variant (Variation ID: 1484201). Algorithms developed to predict the effect of missense changes on protein structure and function (SIFT, PolyPhen-2, Align-GVGD) all suggest that this variant is likely to be tolerated. In summary, the available evidence is currently insufficient to determine the role of this variant in disease. Therefore, it has been classified as a Variant of Uncertain Significance.

Literature cited by the submitters: PubMed 33687620 (cited by Women's Health and Genetics/Laboratory Corporation of America, LabCorp and Labcorp Genetics (formerly Invitae), Labcorp).

NM_020365.5(EIF2B3):c.590C>T (p.Thr197Met)

Gene: EIF2B3 (eukaryotic translation initiation factor 2B subunit gamma; minus strand). Cytogenetic location: 1p34.1.
Variant type: single nucleotide variant.
Coding change: c.590C>T on transcript NM_020365.5 (MANE Select); coding-DNA position 590, C replaced by T.
Protein change: p.Thr197Met; replaces threonine 197 with methionine.
Molecular consequence: missense variant.
Genome position (GRCh38, 1-based): chr1:44,897,421, G>A on the plus strand (C>T on the coding strand, the complement: EIF2B3 is on the minus strand). VCF-style: chr1-44897421-G-A. GRCh37 (hg19) VCF-style: chr1-45363093-G-A.
Other names: c.590C>T, p.Thr197Met (NM_001166588.3, NM_001261418.2); c.590C>T (NM_020365.4); short protein forms T197M.
Identifiers: ClinVar variation 1484201 (VCV001484201.6), dbSNP rs749213552, ClinGen allele CA823971.
Genomic context (GRCh38, chr1:44,897,421, plus strand): 5'-TCCATTAGGAAATCCACGATGTATTTTTTCAAACAGTAGAGGTGGGCATCCACAAGACCC[G>A]TGTGGAAACGTATTCTAGGATGCCTGCAAAAAAATAAAAAATAAAAGAAAGAAAGAAGAG-3'
Protein context (NP_065098.1, residues 187-207): LQKHPRIRFH[Thr197Met]GLVDAHLYCL